The following is an entry in ClinVar:

ClinVar aggregate classification (germline): Uncertain significance (1 of 4 stars; one submission).

Conditions:
Cardiovascular phenotype. Identifiers: MedGen CN230736.

Submission:

Ambry Genetics
Classification: Uncertain significance for Cardiovascular phenotype. Last evaluated: 2025-09-12. Review status: criteria provided, single submitter. Criteria: Ambry Variant Classification Scheme 2023. Collection method: clinical testing. Allele origin: germline.
Comment: The p.M134T variant (also known as c.401T>C), located in coding exon 3 of the APOA5 gene, results from a T to C substitution at nucleotide position 401. The methionine at codon 134 is replaced by threonine, an amino acid with similar properties. This amino acid position is conserved. In addition, this alteration is predicted to be tolerated by in silico analysis. Based on the available evidence, the clinical significance of this variant remains unclear.

NM_001371904.1(APOA5):c.401T>C (p.Met134Thr)

Gene: APOA5 (apolipoprotein A5; minus strand). Cytogenetic location: 11q23.3.
Variant type: single nucleotide variant.
Coding change: c.401T>C on transcript NM_001371904.1 (MANE Select); coding-DNA position 401, T replaced by C.
Protein change: p.Met134Thr; replaces methionine 134 with threonine.
Molecular consequence: missense variant.
Genome position (GRCh38, 1-based): chr11:116,790,828, A>G on the plus strand (T>C on the coding strand, the complement: APOA5 is on the minus strand). VCF-style: chr11-116790828-A-G. GRCh37 (hg19) VCF-style: chr11-116661544-A-G.
Other names: c.401T>C, p.Met134Thr (NM_052968.5, NM_001166598.2); short protein forms M134T.
Identifiers: ClinVar variation 4124180 (VCV004124180.1).